The following is an entry in ClinVar:

ClinVar aggregate classification (germline): Uncertain significance (1 of 4 stars; one submission).

Submission:

ISCA site 15
Classification: Uncertain significance. Last evaluated: 2011-08-12. Review status: criteria provided, single submitter. Criteria: Kaminsky et al. (Genet Med. 2011). Collection method: clinical testing. Allele origin: unknown. Affected: yes. Observed: 1 variant allele.
Comment: Copy number variation identified through the course of routine clinical cytogenomic testing in postnatal populations. Clinical assertions have been curated as described in Kaminsky et al. 2011.

GRCh38/hg38 16q23.3(chr16:82163949-82280684)x3

Genes: MPHOSPH6 (M-phase phosphoprotein 6; minus strand), LOC128772419 (melanoma risk locus-associated MPRA allelic enhancer 16:82199461; plus strand), LOC128772420 (melanoma risk locus-associated MPRA allelic enhancer 16:82215972; plus strand), LOC128849171 (melanoma risk locus-associated MPRA allelic enhancer 16:82199598; plus strand), LOC128849173 (melanoma risk locus-associated MPRA allelic enhancer 16:82203758; plus strand) and 1 more. Cytogenetic location: 16q23.3.
Variant type: copy number gain.
Change: copy number 3 (three copies instead of two) of chr16:82,163,949-82,280,684 (116.7 kb, GRCh38 coordinates, 1-based), cytogenetic band 16q23.3.
Identifiers: ClinVar variation 60061 (VCV000060061.1).